The following is an entry in ClinVar:

ClinVar aggregate classification (germline): Likely benign (1 of 4 stars; one submission).

Submission:

CeGaT Center for Human Genetics Tuebingen
Classification: Likely benign. Last evaluated: 2025-05-01. Review status: criteria provided, single submitter. Criteria: CeGaT Center For Human Genetics Tuebingen Variant Classification Criteria Version 2. Collection method: clinical testing. Allele origin: germline. Affected: yes. Observed: 1 variant allele.
Comment: SOX4: BP4, BP7

NM_003107.3(SOX4):c.372C>G (p.Pro124=)

Gene: SOX4 (SRY-box transcription factor 4; plus strand). Cytogenetic location: 6p22.3.
Variant type: single nucleotide variant.
Coding change: c.372C>G on transcript NM_003107.3 (MANE Select); coding-DNA position 372, C replaced by G.
Protein change: p.Pro124=; no amino-acid change (proline 124 retained).
Molecular consequence: synonymous variant.
Genome position (GRCh38, 1-based): chr6:21,594,906, C>G. VCF-style: chr6-21594906-C-G. GRCh37 (hg19) VCF-style: chr6-21595137-C-G.
Identifiers: ClinVar variation 3905180 (VCV003905180.10).
Genomic context (GRCh38, chr6:21,594,906, plus strand): 5'-CAAGATCCCTTTCATTCGAGAGGCGGAGCGGCTGCGCCTCAAGCACATGGCTGACTACCC[C>G]GACTACAAGTACCGGCCCAGGAAGAAGGTGAAGTCCGGCAACGCCAACTCCAGCTCCTCG-3'
Protein context (NP_003098.1, residues 114-134): RLRLKHMADY[Pro124=]DYKYRPRKKV